The following is an entry in ClinVar:

NM_153717.3(EVC):c.823G>A (p.Gly275Arg)

Gene: EVC (EvC ciliary complex subunit 1; plus strand). Cytogenetic location: 4p16.2.
Variant type: single nucleotide variant.
Coding change: c.823G>A on transcript NM_153717.3 (MANE Select); coding-DNA position 823, G replaced by A.
Protein change: p.Gly275Arg; replaces glycine 275 with arginine.
Molecular consequence: missense variant.
Genome position (GRCh38, 1-based): chr4:5,745,225, G>A. VCF-style: chr4-5745225-G-A. GRCh37 (hg19) VCF-style: chr4-5746952-G-A.
Other names: c.823G>A, p.Gly275Arg (NM_001306090.2, NM_001306092.2); short protein forms G275R.
Identifiers: ClinVar variation 2186663 (VCV002186663.1), dbSNP rs1206421778, ClinGen allele CA356149047.

ClinVar aggregate classification (germline): Uncertain significance (1 of 4 stars; one submission).

Conditions:
Ellis-van Creveld syndrome (EVC). Also called: EVC-Related Ellis-van Creveld Syndrome; EVC2-Related Ellis-van Creveld Syndrome; Chondroectodermal dysplasia; MESOECTODERMAL DYSPLASIA. Identifiers: Orphanet 289, MedGen C0013903, MONDO:0009162, OMIM 225500.
Curry-Hall syndrome (WAD). Also called: WEYERS ACRODENTAL DYSOSTOSIS. Identifiers: Orphanet 952, MedGen C0457013, MONDO:0008673, OMIM 193530.

Allele frequency attached by ClinVar (database versions not stated): gnomAD 0.00001; TOPMed 0.00001.
gnomAD v4.1: 1 of 1,613,570 alleles (0.000062%); highest among the groups gnomAD compares: Non-Finnish European, 0.000085%; no homozygotes.

Submission:

Labcorp Genetics (formerly Invitae), Labcorp
Classification: Uncertain significance for Curry-Hall syndrome; Ellis-van Creveld syndrome. Last evaluated: 2021-08-24. Review status: criteria provided, single submitter. Criteria: Invitae Variant Classification Sherloc (09022015). Collection method: clinical testing. Allele origin: germline.
Comment: This sequence change replaces glycine with arginine at codon 275 of the EVC protein (p.Gly275Arg). The glycine residue is moderately conserved and there is a moderate physicochemical difference between glycine and arginine. This variant is not present in population databases (ExAC no frequency). This variant has not been reported in the literature in individuals affected with EVC-related conditions. Algorithms developed to predict the effect of missense changes on protein structure and function output the following: SIFT: "Tolerated"; PolyPhen-2: "Benign"; Align-GVGD: "Class C0". The arginine amino acid residue is found in multiple mammalian species, which suggests that this missense change does not adversely affect protein function. In summary, the available evidence is currently insufficient to determine the role of this variant in disease. Therefore, it has been classified as a Variant of Uncertain Significance.